The following is an entry in ClinVar:

ClinVar aggregate classification (germline): Conflicting classifications of pathogenicity. Review status: criteria provided, conflicting classifications (1 of 4 stars). 3 submissions from 3 submitters: Uncertain significance (2); Likely benign (1). Last evaluated 2026-01-05.

Allele frequency attached by ClinVar (database versions not stated): gnomAD exomes below 0.00001.
gnomAD v4.1: 4 of 1,613,788 alleles (0.00025%); highest among the groups gnomAD compares: East Asian, 0.0022%; no homozygotes.

Submissions (3):

Labcorp Genetics (formerly Invitae), Labcorp
Classification: Uncertain significance. Last evaluated: 2026-01-05. Review status: criteria provided, single submitter. Criteria: Invitae Variant Classification Sherloc (09022015). Collection method: clinical testing. Allele origin: germline.
Comment: This sequence change replaces threonine, which is neutral and polar, with asparagine, which is neutral and polar, at codon 350 of the ADGRV1 protein (p.Thr350Asn). This variant is not present in population databases (gnomAD no frequency). This variant has not been reported in the literature in individuals affected with ADGRV1-related conditions. ClinVar contains an entry for this variant (Variation ID: 179074). An algorithm developed to predict the effect of missense changes on protein structure and function (PolyPhen-2) suggests that this variant is likely to be tolerated. In summary, the available evidence is currently insufficient to determine the role of this variant in disease. Therefore, it has been classified as a Variant of Uncertain Significance.

GeneDx
Classification: Uncertain significance. Last evaluated: 2022-05-03. Review status: criteria provided, single submitter. Criteria: GeneDx Variant Classification Process June 2021. Collection method: clinical testing. Allele origin: germline. Affected: yes.
Comment: Not observed at significant frequency in large population cohorts (gnomAD); In silico analysis supports that this missense variant does not alter protein structure/function; Has not been previously published as pathogenic or benign to our knowledge

Laboratory for Molecular Medicine, Mass General Brigham Personalized Medicine
Classification: Likely benign. Last evaluated: 2013-06-11. Review status: criteria provided, single submitter. Criteria: LMM Criteria. Collection method: clinical testing. Allele origin: germline. Observed: 1 variant allele.
Comment: Thr350Asn in exon 7 of GPR98: This variant is not expected to have clinical sign ificance due to a lack of conservation across species, including mammals. In add ition, computational analyses (PolyPhen2, SIFT, AlignGVGD) do not suggest a high likelihood of impact to the protein.

NM_032119.4(ADGRV1):c.1049C>A (p.Thr350Asn)

Gene: ADGRV1 (adhesion G protein-coupled receptor V1; plus strand). Cytogenetic location: 5q14.3.
Variant type: single nucleotide variant.
Coding change: c.1049C>A on transcript NM_032119.4 (MANE Select); coding-DNA position 1049, C replaced by A.
Protein change: p.Thr350Asn; replaces threonine 350 with asparagine.
Molecular consequence: missense variant. On other transcripts: non-coding transcript variant (1).
Genome position (GRCh38, 1-based): chr5:90,627,587, C>A. VCF-style: chr5-90627587-C-A. GRCh37 (hg19) VCF-style: chr5-89923404-C-A.
Other names: short protein forms T350N.
Identifiers: ClinVar variation 179074 (VCV000179074.11), dbSNP rs727504607, ClinGen allele CA183676.
Genomic context (GRCh38, chr5:90,627,587, plus strand): 5'-CTGTTGTTTTTCCACCTTTTATTCATGAATCTCACTTGAAATTTCAAATAGTTGATGACA[C>A]CATACCGGAGATTGCTGAATCGTTTCACATTATGTTACTAAAAGATACCTTACAGGGAGA-3'
Protein context (NP_115495.3, residues 340-360): SHLKFQIVDD[Thr350Asn]IPEIAESFHI